The following is an entry in ClinVar:

NM_001111.5(ADAR):c.2158G>A (p.Val720Met)

Gene: ADAR (adenosine deaminase RNA specific; minus strand). Cytogenetic location: 1q21.3.
Variant type: single nucleotide variant.
Coding change: c.2158G>A on transcript NM_001111.5 (MANE Select); coding-DNA position 2158, G replaced by A.
Protein change: p.Val720Met; replaces valine 720 with methionine.
Molecular consequence: missense variant.
Genome position (GRCh38, 1-based): chr1:154,596,917, C>T on the plus strand (G>A on the coding strand, the complement: ADAR is on the minus strand). VCF-style: chr1-154596917-C-T. GRCh37 (hg19) VCF-style: chr1-154569393-C-T.
Other names: c.1273G>A, p.Val425Met (NM_001025107.3, NM_001193495.2, NM_001365046.1 and 3 more transcripts); c.2185G>A, p.Val729Met (NM_001365045.1); c.2158G>A, p.Val720Met (NM_015840.4); c.2101G>A, p.Val701Met (NM_015841.4); short protein forms V701M, V729M, V425M, V720M.
Identifiers: ClinVar variation 1918547 (VCV001918547.5), dbSNP rs759837017, ClinGen allele CA1131356.

ClinVar aggregate classification (germline): Uncertain significance (1 of 4 stars; one submission).

Conditions:
Symmetrical dyschromatosis of extremities (DSH). Also called: Dyschromatosis symmetrica hereditaria; DYSCHROMATOSIS SYMMETRICA HEREDITARIA 1; RETICULATE ACROPIGMENTATION OF DOHI; SYMMETRIC DYSCHROMATOSIS OF THE EXTREMITIES. Identifiers: Orphanet 41, MedGen C0406775, MONDO:0007483, OMIM 127400.
Aicardi-Goutieres syndrome 6 (AGS6). Identifiers: Orphanet 51, MedGen C3539013, MONDO:0014007, OMIM 615010.

Allele frequency attached by ClinVar (database versions not stated): TOPMed below 0.00001; ExAC 0.00002; gnomAD 0.00001.
gnomAD v4.1: 8 of 1,614,036 alleles (0.0005%); highest among the groups gnomAD compares: Admixed American, 0.005%; no homozygotes.

Submission:

Labcorp Genetics (formerly Invitae), Labcorp
Classification: Uncertain significance for Aicardi-Goutieres syndrome 6; Symmetrical dyschromatosis of extremities. Last evaluated: 2025-08-01. Review status: criteria provided, single submitter. Criteria: Invitae Variant Classification Sherloc (09022015). Collection method: clinical testing. Allele origin: germline.
Comment: This sequence change replaces valine, which is neutral and non-polar, with methionine, which is neutral and non-polar, at codon 720 of the ADAR protein (p.Val720Met). This variant is present in population databases (rs759837017, gnomAD 0.009%). This variant has not been reported in the literature in individuals affected with ADAR-related conditions. ClinVar contains an entry for this variant (Variation ID: 1918547). Invitae Evidence Modeling of protein sequence and biophysical properties (such as structural, functional, and spatial information, amino acid conservation, physicochemical variation, residue mobility, and thermodynamic stability) indicates that this missense variant is not expected to disrupt ADAR protein function with a negative predictive value of 80%. In summary, the available evidence is currently insufficient to determine the role of this variant in disease. Therefore, it has been classified as a Variant of Uncertain Significance.